The following is an entry in ClinVar:

NM_000285.4(PEPD):c.1342G>A (p.Gly448Arg)

Gene: PEPD (peptidase D; minus strand). Cytogenetic location: 19q13.11.
Variant type: single nucleotide variant.
Coding change: c.1342G>A on transcript NM_000285.4 (MANE Select); coding-DNA position 1342, G replaced by A.
Protein change: p.Gly448Arg; replaces glycine 448 with arginine.
Molecular consequence: missense variant.
Genome position (GRCh38, 1-based): chr19:33,387,892, C>T on the plus strand (G>A on the coding strand, the complement: PEPD is on the minus strand). VCF-style: chr19-33387892-C-T. GRCh37 (hg19) VCF-style: chr19-33878798-C-T.
Other names: c.1219G>A, p.Gly407Arg (NM_001166056.2); c.1150G>A, p.Gly384Arg (NM_001166057.2); short protein forms G448R, G384R, G407R.
Identifiers: ClinVar variation 213 (VCV000000213.19), dbSNP rs121917724, ClinGen allele CA214915.

ClinVar aggregate classification (germline): Pathogenic/Likely pathogenic. Review status: criteria provided, multiple submitters, no conflicts (2 of 4 stars). 9 submissions from 9 submitters: Pathogenic (7); Likely pathogenic (1). 1 of the submissions does not count toward it. Last evaluated 2026-06-04.

Conditions:
PEPD-related disorder. Also called: PEPD-related condition.
Inborn genetic diseases. Identifiers: MedGen C0950123, MeSH D030342.
Prolidase deficiency. Identifiers: Orphanet 742, MedGen C0268532, MONDO:0008221, OMIM 170100.

Allele frequency attached by ClinVar (database versions not stated): gnomAD exomes 0.00002 and 0.00004; TOPMed 0.00002; gnomAD 0.00004; ExAC 0.00011; 1000 Genomes Project 0.00020; 1000 Genomes Project 30x 0.00031.
gnomAD v4.1: 57 of 1,564,210 alleles (0.0036%); highest among the groups gnomAD compares: Non-Finnish European, 0.0046%; no homozygotes.

Submissions (9):

Ambry Genetics
Classification: Pathogenic for Inborn genetic diseases. Last evaluated: 2026-06-04. Review status: criteria provided, single submitter. Criteria: Ambry Variant Classification Scheme 2023. Collection method: clinical testing. Allele origin: germline.
Comment: The c.1342G>A (p.G448R) alteration is located in exon 14 (coding exon 14) of the PEPD gene. This alteration results from a G to A substitution at nucleotide position 1342, causing the glycine (G) at amino acid position 448 to be replaced by an arginine (R). Based on data from gnomAD, the A allele has an overall frequency of 0.002% (4/198714) total alleles studied. The highest observed frequency was 0.004% (1/23972) of South Asian alleles. This variant has been identified in the homozygous state and/or in conjunction with other PEPD variant(s) in individual(s) with features consistent with Prolidase deficiency; in at least one instance, the variants were confirmed in trans (Lupi, 2006; Besio, 2015; Vestita, 2017; S&uuml;&szlig;muth, 2020). This amino acid position is highly conserved in available vertebrate species. This alteration is predicted to be deleterious by in silico analysis. Based on the available evidence, this alteration is classified as pathogenic.

Labcorp Genetics (formerly Invitae), Labcorp
Classification: Pathogenic. Last evaluated: 2024-03-01. Review status: criteria provided, single submitter. Criteria: Invitae Variant Classification Sherloc (09022015). Collection method: clinical testing. Allele origin: germline.
Comment: This sequence change replaces glycine, which is neutral and non-polar, with arginine, which is basic and polar, at codon 448 of the PEPD protein (p.Gly448Arg). The frequency data for this variant in the population databases is considered unreliable, as metrics indicate poor data quality at this position in the gnomAD database. This missense change has been observed in individual(s) with prolidase deficiency (PMID: 8198124, 12384772, 17142620, 25460580). ClinVar contains an entry for this variant (Variation ID: 213). An algorithm developed to predict the effect of missense changes on protein structure and function (PolyPhen-2) suggests that this variant is likely to be disruptive. Experimental studies have shown that this missense change affects PEPD function (PMID: 8900231, 23516557). For these reasons, this variant has been classified as Pathogenic.

Blueprint Genetics
Classification: Pathogenic for PEPD-related disorders. Last evaluated: 2022-12-16. Review status: criteria provided, single submitter. Criteria: ACMG Guidelines, 2015. Collection method: clinical testing. Allele origin: germline. Affected: yes. Observed: 3 variant alleles.

Fulgent Genetics
Classification: Pathogenic for Prolidase deficiency. Last evaluated: 2021-10-27. Review status: criteria provided, single submitter. Criteria: ACMG Guidelines, 2015. Collection method: clinical testing. Allele origin: unknown.

Rady Children's Institute for Genomic Medicine, Rady Children's Hospital San Diego
Classification: Pathogenic for PROLIDASE DEFICIENCY. Last evaluated: 2019-05-14. Review status: criteria provided, single submitter. Criteria: ACMG Guidelines, 2015. Collection method: clinical testing. Allele origin: germline. Affected: yes.
Comment: This variant has been previously reported as a homozygous or compound heterozygous change in multiple patients with prolidase deficiency (PMID: 8198124, 17142620). Studies using patient fibroblast lines and recombinant prolidase demonstrated that this variant leads to decreased catalytic efficiency, thermal stability and cofactor binding (PMID: 23516557). Additionally, an in vitro experiment in COS-1 cells demonstrated that this variant reduces prolidase activity to undetectable levels (PMID: 8900231). This variant has been classified as Pathogenic by a clinical diagnostic laboratory in the ClinVar database (Variation ID: 213). It is present in the heterozygous state in the gnomAD population database at a frequency of .003% (5/193670) and thus is presumed to be rare. The c.1342G>A (p.Gly448Arg) variant is predicted by multiple in silico tools to have a deleterious effect on protein function. Based on the available evidence, the c.1342G>A (p.Gly448Arg) variant is classified as Pathogenic.

Illumina Laboratory Services, Illumina
Classification: Pathogenic for Prolidase deficiency. Last evaluated: 2018-12-11. Review status: criteria provided, single submitter. Criteria: ICSL Variant Classification Criteria 09 May 2019. Collection method: clinical testing. Allele origin: germline.
Comment: The PEPD c.1342G>A (p.Gly448Arg) missense variant has been reported in four studies in which it is found in a total of eight individuals with prolidase deficiency (PD). The variant was found in five individuals in a homozygous state, including a sibling pair, and in three compound heterozygotes, two of whom were related (Ledoux et al. 1994; Forlino et al. 2002; Lupi et al. 2006; Vestita et al. 2017). Ledoux et al. (1994), Lupi et al. (2006) and Besio et al. (2013) demonstrated that prolidase activity in fibroblasts from patients with PD with the p.Gly448Arg variant was reduced to <2% to 13.1% when compared to controls. In addition, transient expression of the p.Gly448Arg variant in COS1 cells produced an inactive enzyme (Ledoux et al. 1996), and a recombinant PEPD enzyme containing the p.Gly448Arg variant showed very low catalytic efficiency, thermal instability, and changes in protein conformations (Besio et al. 2013). Forlino et al. (2002) also showed that cultured PD patient fibroblasts with the p.Gly448Arg variant exhibited multiple cell structure abnormalities. This variant was absent in 150 control chromosomes and is reported at a frequency of 0.000036 in the European (non-Finnish) population. Based on the collective evidence, the p.Gly448Arg variant is classified as pathogenic for prolidase deficiency. This variant was observed by ICSL as part of a predisposition screen in an ostensibly healthy population.

Knight Diagnostic Laboratories, Oregon Health and Sciences University
Classification: Likely pathogenic for Prolidase deficiency. Last evaluated: 2017-08-29. Review status: criteria provided, single submitter. Criteria: ACMG Guidelines, 2015. Collection method: clinical testing. Allele origin: germline. Observed: 1 variant allele.

Laboratory for Molecular Medicine, Mass General Brigham Personalized Medicine
Classification: Pathogenic for Prolidase deficiency. Last evaluated: 2016-02-25. Review status: criteria provided, single submitter. Criteria: LMM Criteria. Collection method: clinical testing. Allele origin: germline. Inheritance: Autosomal recessive inheritance. Observed: 1 variant allele.
Comment: The p.Gly448Arg variant in PEPD has been reported in 6 individuals with prolidas e deficiency. Three of these individuals were homozygous and three compound hete rozygous with another pathogenic variant in PEPD (Ledoux 1994, Lupi 2006, Forlin o 2002). This variant has also been identified in 0.027% (2/7412) of European ch romosomes by the Exome Aggregation Consortium (ExAC. org; dbSNP rs121917724). Although this variant is seen in the general population , its frequency is consistent with a recessive carrier frequency. In addition, i n vitro functional studies provide some evidence that the p.Gly448Arg variant ma y impact protein function (Ledoux 1996, Besio 2013). In summary, this variant me ets our criteria to be classified as pathogenic for prolidase deficiency in an a utosomal recessive manner based upon its co-occurrence in trans with other patho genic variants in patients, low frequency in controls and functional evidence.

OMIM
Classification: Pathogenic for PROLIDASE DEFICIENCY. Last evaluated: 2002-10-01. Review status: no assertion criteria provided. Collection method: literature only. Allele origin: germline. Not counted in ClinVar's aggregate classification.

Literature cited by the submitters: PubMed 17142620 (cited by 4 submitters); PubMed 25460580 (cited by Ambry Genetics and Labcorp Genetics (formerly Invitae), Labcorp); PubMed 28062424 (cited by Ambry Genetics and Illumina Laboratory Services, Illumina); PubMed 31573664 (cited by Ambry Genetics); PubMed 8198124 (cited by 4 submitters); PubMed 12384772 (cited by 4 submitters); PubMed 8900231 (cited by 4 submitters); PubMed 23516557 (cited by 3 submitters).